The following is an entry in ClinVar:

NM_000492.4(CFTR):c.3782T>G (p.Leu1261Arg)

Genes: CFTR (CF transmembrane conductance regulator; plus strand), CFTR-AS2 (CFTR antisense RNA 2; minus strand). Cytogenetic location: 7q31.2.
Variant type: single nucleotide variant.
Coding change: c.3782T>G on transcript NM_000492.4 (MANE Select); coding-DNA position 3782, T replaced by G.
Protein change: p.Leu1261Arg; replaces leucine 1261 with arginine.
Molecular consequence: missense variant.
Genome position (GRCh38, 1-based): chr7:117,642,502, T>G. VCF-style: chr7-117642502-T-G. GRCh37 (hg19) VCF-style: chr7-117282556-T-G.
Other names: short protein forms L1261R.
Identifiers: ClinVar variation 1734862 (VCV001734862.2), dbSNP rs2485159921, ClinGen allele CA368974826.
Genomic context (GRCh38, chr7:117,642,502, plus strand): 5'-GCCTCTTGGGAAGAACTGGATCAGGGAAGAGTACTTTGTTATCAGCTTTTTTGAGACTAC[T>G]GAACACTGAAGGAGAAATCCAGATCGATGGTGTGTCTTGGGATTCAATAACTTTGCAACA-3'
Protein context (NP_000483.3, residues 1251-1271): STLLSAFLRL[Leu1261Arg]NTEGEIQIDG

ClinVar aggregate classification (germline): Uncertain significance (1 of 4 stars; one submission).

Conditions:
Cystic fibrosis (CF). Also called: MUCOVISCIDOSIS. Identifiers: Orphanet 586, MedGen C0010674, MONDO:0009061, OMIM 219700. Disease mechanism: loss of function.

Submission:

Ambry Genetics
Classification: Uncertain significance for Cystic fibrosis. Last evaluated: 2022-05-25. Review status: criteria provided, single submitter. Criteria: Ambry Variant Classification Scheme 2023. Collection method: clinical testing. Allele origin: germline.
Comment: The p.L1261R variant (also known as c.3782T>G), located in coding exon 23 of the CFTR gene, results from a T to G substitution at nucleotide position 3782. The leucine at codon 1261 is replaced by arginine, an amino acid with dissimilar properties. This amino acid position is conserved. In addition, this alteration is predicted to be deleterious by in silico analysis. Since supporting evidence is limited at this time, the clinical significance of this alteration remains unclear.